The following is an entry in ClinVar:

ClinVar aggregate classification (germline): Uncertain significance. Review status: criteria provided, multiple submitters, no conflicts (2 of 4 stars). 2 submissions from 2 submitters: Uncertain significance (2). Last evaluated 2025-08-18.

Conditions:
Inborn genetic diseases. Identifiers: MedGen C0950123, MeSH D030342.
Short-rib thoracic dysplasia 6 with or without polydactyly (SRTD6). Also called: Majewski Syndrome; SHORT RIB-POLYDACTYLY SYNDROME, TYPE IIA; SHORT-RIB THORACIC DYSPLASIA 6 WITH POLYDACTYLY; SHORT-RIB THORACIC DYSPLASIA 6 WITHOUT POLYDACTYLY; POLYDACTYLY WITH NEONATAL CHONDRODYSTROPHY, TYPE II. Identifiers: MedGen C0024507, MONDO:0009894, OMIM 263520.

Allele frequency attached by ClinVar (database versions not stated): gnomAD exomes 0.00001; gnomAD 0.00003; TOPMed 0.00003; 1000 Genomes Project 0.00020; 1000 Genomes Project 30x 0.00031.
gnomAD v4.1: 16 of 1,569,572 alleles (0.001%); highest among the groups gnomAD compares: Admixed American, 0.0055%; no homozygotes.

Submissions (2):

Labcorp Genetics (formerly Invitae), Labcorp
Classification: Uncertain significance for Short-rib thoracic dysplasia 6 with or without polydactyly. Last evaluated: 2025-08-18. Review status: criteria provided, single submitter. Criteria: Invitae Variant Classification Sherloc (09022015). Collection method: clinical testing. Allele origin: germline.
Comment: This sequence change replaces arginine, which is basic and polar, with glutamine, which is neutral and polar, at codon 710 of the NEK1 protein (p.Arg710Gln). This variant is present in population databases (rs561203378, gnomAD 0.007%). This variant has not been reported in the literature in individuals affected with NEK1-related conditions. ClinVar contains an entry for this variant (Variation ID: 2077698). Invitae Evidence Modeling of protein sequence and biophysical properties (such as structural, functional, and spatial information, amino acid conservation, physicochemical variation, residue mobility, and thermodynamic stability) indicates that this missense variant is not expected to disrupt NEK1 protein function with a negative predictive value of 80%. In summary, the available evidence is currently insufficient to determine the role of this variant in disease. Therefore, it has been classified as a Variant of Uncertain Significance.

Ambry Genetics
Classification: Uncertain significance for Inborn genetic diseases. Last evaluated: 2025-02-05. Review status: criteria provided, single submitter. Criteria: Ambry Variant Classification Scheme 2023. Collection method: clinical testing. Allele origin: germline.

NM_001199397.3(NEK1):c.2213G>A (p.Arg738Gln)

Gene: NEK1 (NIMA related kinase 1; minus strand). Cytogenetic location: 4q33.
Variant type: single nucleotide variant.
Coding change: c.2213G>A on transcript NM_001199397.3 (MANE Select); coding-DNA position 2213, G replaced by A.
Protein change: p.Arg738Gln; replaces arginine 738 with glutamine.
Molecular consequence: missense variant. On other transcripts: non-coding transcript variant (1).
Genome position (GRCh38, 1-based): chr4:169,477,345, C>T on the plus strand (G>A on the coding strand, the complement: NEK1 is on the minus strand). VCF-style: chr4-169477345-C-T. GRCh37 (hg19) VCF-style: chr4-170398496-C-T.
Other names: c.2129G>A (NM_012224.2); c.2081G>A, p.Arg694Gln (NM_001199398.3); c.1922G>A, p.Arg641Gln (NM_001199399.3); c.1997G>A, p.Arg666Gln (NM_001199400.3); c.2213G>A, p.Arg738Gln (NM_001374418.1); c.2129G>A, p.Arg710Gln (NM_001374419.1, NM_012224.4); c.2078G>A, p.Arg693Gln (NM_001374420.1); c.1907G>A, p.Arg636Gln (NM_001374421.1); short protein forms R641Q, R694Q, R636Q, R666Q, R693Q, R710Q, R738Q.
Identifiers: ClinVar variation 2077698 (VCV002077698.5), dbSNP rs561203378, ClinGen allele CA109900363.
Genomic context (GRCh38, chr4:169,477,345, plus strand): 5'-TGCTTTCCTTTTTCATCTTCTTGAGCTTTAAGATTTTCATTTAATCTACGAAGTATTTCT[C>T]GCTTACTCTGAAAGTCACGACATTATATATTTTAATATGTATATCATTAAGTAAAATGAT-3'
Protein context (NP_001186326.1, residues 728-748): QKTNNAISSK[Arg738Gln]EILRRLNENL